The following is an entry in ClinVar:

ClinVar aggregate classification (germline): Uncertain significance (1 of 4 stars; one submission).

Conditions:
Inborn genetic diseases. Identifiers: MedGen C0950123, MeSH D030342.

Submission:

Ambry Genetics
Classification: Uncertain significance for Inborn genetic diseases. Last evaluated: 2026-06-06. Review status: criteria provided, single submitter. Criteria: Ambry Variant Classification Scheme 2023. Collection method: clinical testing. Allele origin: germline.
Comment: The p.D427E variant (also known as c.1281C>G), located in coding exon 8 of the WT1 gene, results from a C to G substitution at nucleotide position 1281. The aspartic acid at codon 427 is replaced by glutamic acid, an amino acid with highly similar properties. This amino acid position is conserved. In addition, this alteration is predicted to be tolerated by in silico analysis. Based on the available evidence, the clinical significance of this variant remains unclear.

NM_024426.6(WT1):c.1296C>G (p.Asp432Glu)

Gene: WT1 (WT1 transcription factor; minus strand). Cytogenetic location: 11p13.
Variant type: single nucleotide variant.
Coding change: c.1296C>G on transcript NM_024426.6 (MANE Select); coding-DNA position 1296, C replaced by G.
Protein change: p.Asp432Glu; replaces aspartic acid 432 with glutamic acid.
Molecular consequence: missense variant. On other transcripts: non-coding transcript variant (2), intron variant (1).
Genome position (GRCh38, 1-based): chr11:32,392,724, G>C on the plus strand (C>G on the coding strand, the complement: WT1 is on the minus strand). VCF-style: chr11-32392724-G-C. GRCh37 (hg19) VCF-style: chr11-32414270-G-C.
Other names: c.1245C>G, p.Asp415Glu (NM_000378.6, NM_001407045.1, NM_001407049.1); c.645C>G, p.Asp215Glu (NM_001198551.2); c.594C>G, p.Asp198Glu (NM_001198552.2); c.108C>G, p.Asp36Glu (NM_001367854.1); c.1290C>G, p.Asp430Glu (NM_001407044.1); c.1296C>G, p.Asp432Glu (NM_001407046.1, NM_024424.5); c.1173C>G, p.Asp391Glu (NM_001407047.1); c.1122C>G, p.Asp374Glu (NM_001407050.1); and 4 more; short protein forms D178E, D198E, D215E, D342E, D359E, D36E, D374E, D391E.
Identifiers: ClinVar variation 4866820 (VCV004866820.1).